The following is an entry in ClinVar:

ClinVar aggregate classification (germline): Uncertain significance (1 of 4 stars; one submission).

Conditions:
Early-infantile DEE. Also called: Early infantile epileptic encephalopathy; Ohtahara syndrome; Early infantile epileptic encephalopathy with suppression bursts. Identifiers: Orphanet 1934, MedGen C0393706, MONDO:0800491.

Allele frequency attached by ClinVar (database versions not stated): gnomAD 0.00004; TOPMed 0.00004.
gnomAD v4.1: 6 of 151,398 alleles (0.004%); highest among the groups gnomAD compares: Non-Finnish European, 0.0059%; no homozygotes.

Submission:

Labcorp Genetics (formerly Invitae), Labcorp
Classification: Uncertain significance for Early-infantile DEE. Last evaluated: 2025-11-19. Review status: criteria provided, single submitter. Criteria: Invitae Variant Classification Sherloc (09022015). Collection method: clinical testing. Allele origin: germline.
Comment: This sequence change falls in intron 20 of the SCN1A gene. It does not directly change the encoded amino acid sequence of the SCN1A protein. However, this sequence change falls within a region encompassing a cryptic exon in the SCN1A gene, in which variants have been shown to alter splicing (PMID: 30526861, 34107977). This variant is present in population databases (rs569906674, gnomAD 0.03%). This variant has been observed in individual(s) with intractable epilepsy (internal data). ClinVar contains an entry for this variant (Variation ID: 1532509). Algorithms developed to predict the effect of sequence changes on RNA splicing suggest that this variant is not likely to affect RNA splicing. In summary, the available evidence is currently insufficient to determine the role of this variant in disease. Therefore, it has been classified as a Variant of Uncertain Significance.

Literature cited by the submitters: PubMed 30526861; PubMed 34107977.

NM_001165963.4(SCN1A):c.4002+2150T>A

Genes: SCN1A (sodium voltage-gated channel alpha subunit 1; minus strand), LOC102724058 (uncharacterized LOC102724058; plus strand). Cytogenetic location: 2q24.3.
Variant type: single nucleotide variant.
Coding change: c.4002+2150T>A on transcript NM_001165963.4 (MANE Select); 2150 bases into the intron after coding-DNA position 4002, T replaced by A.
Molecular consequence: intron variant.
Genome position (GRCh38, 1-based): chr2:166,007,569, A>T on the plus strand (T>A on the coding strand, the complement: SCN1A is on the minus strand). VCF-style: chr2-166007569-A-T. GRCh37 (hg19) VCF-style: chr2-166864079-A-T.
Other names: c.3969+2150T>A (NM_001353949.2, NM_001353950.2, NM_001353951.2 and 2 more transcripts); c.3918+2150T>A (NM_001353958.2, NM_001353957.2, NM_001165964.3); c.4002+2150T>A (NM_001202435.3, NM_001353948.2); c.3966+2150T>A (NM_001353955.2, NM_001353954.2); c.3915+2150T>A (NM_001353960.2); c.1560+2150T>A (NM_001353961.2).
Identifiers: ClinVar variation 1532509 (VCV001532509.9), dbSNP rs569906674, ClinGen allele CA59771664.
Genomic context (GRCh38, chr2:166,007,569, plus strand): 5'-ATCAATTCACTCAGTTTAATTTTACAAGTTGAAAAATTTGGACTGGAAATTTGAAATACA[A>T]TAAATGTTTAAAAGCTGTCAGCCAGAAATGTGCATAAAACATGCAAAACACAAAGTGCAA-3'